The following is an entry in ClinVar:

ClinVar aggregate classification (germline): Benign. Review status: criteria provided, multiple submitters, no conflicts (2 of 4 stars). 3 submissions from 2 submitters: Benign (3). Last evaluated 2018-01-13.

Conditions:
Charcot-Marie-Tooth disease, axonal, with vocal cord paresis, autosomal recessive. Also called: CHARCOT-MARIE-TOOTH DISEASE, TYPE 4A, AXONAL FORM; CHARCOT-MARIE-TOOTH NEUROPATHY, AXONAL, WITH VOCAL CORD PARESIS, AUTOSOMAL RECESSIVE; CMT2 WITH VOCAL CORD PARESIS, AUTOSOMAL RECESSIVE. Identifiers: Orphanet 101097, MedGen C1843183, MONDO:0011898, OMIM 607706.
Charcot-Marie-Tooth disease recessive intermediate A (CMTRIA). Also called: CHARCOT-MARIE-TOOTH NEUROPATHY, RECESSIVE INTERMEDIATE A. Identifiers: Orphanet 217055, MedGen C1842197, MONDO:0012014, OMIM 608340.

Allele frequency attached by ClinVar (database versions not stated): ExAC 0.00167; gnomAD 0.00699 and 0.00747; gnomAD exomes 0.00993 and 0.01852; TOPMed 0.01167; 1000 Genomes Project 0.01697; 1000 Genomes Project 30x 0.01858.
gnomAD v4.1: 4,067 of 454,136 alleles (0.9%); highest among the groups gnomAD compares: Admixed American, 7.5%; 170 homozygotes.

Submissions (3):

Illumina Laboratory Services, Illumina
Classification: Benign for Charcot-Marie-Tooth disease recessive intermediate A. Last evaluated: 2018-01-13. Review status: criteria provided, single submitter. Criteria: ICSL Variant Classification Criteria 13 December 2019. Collection method: clinical testing. Allele origin: germline.
Comment: This variant was observed in the ICSL laboratory as part of a predisposition screen in an ostensibly healthy population. It had not been previously curated by ICSL or reported in the Human Gene Mutation Database (HGMD: prior to June 1st, 2018), and was therefore a candidate for classification through an automated scoring system. Utilizing variant allele frequency, disease prevalence and penetrance estimates, and inheritance mode, an automated score was calculated to assess if this variant is too frequent to cause the disease. Based on the score and internal cut-off values, a variant classified as benign is not then subjected to further curation. The score for this variant resulted in a classification of benign for this disease.

Illumina Laboratory Services, Illumina
Classification: Benign for Charcot-Marie-Tooth disease, axonal, with vocal cord paresis, autosomal recessive. Last evaluated: 2018-01-13. Review status: criteria provided, single submitter. Criteria: ICSL Variant Classification Criteria 13 December 2019. Collection method: clinical testing. Allele origin: germline.
Comment: the same text as in the submission from Illumina Laboratory Services, Illumina above.

Breakthrough Genomics
Classification: Benign. Review status: criteria provided, single submitter. Criteria: ACMG Guidelines, 2015. Collection method: not provided. Allele origin: germline. Inheritance: Autosomal recessive inheritance. Affected: yes.

NM_018972.4(GDAP1):c.*561C>G

Gene: GDAP1 (ganglioside induced differentiation associated protein 1; plus strand). Cytogenetic location: 8q21.11.
Variant type: single nucleotide variant.
Coding change: c.*561C>G on transcript NM_018972.4 (MANE Select); 561 bases downstream of the stop codon, C replaced by G.
Molecular consequence: 3 prime UTR variant. On other transcripts: intron variant (1).
Genome position (GRCh38, 1-based): chr8:74,364,928, C>G. VCF-style: chr8-74364928-C-G. GRCh37 (hg19) VCF-style: chr8-75277163-C-G.
Other names: c.*561C>G (NM_001040875.4, NM_001362929.2, NM_001362930.2 and 1 more transcripts); c.694+1875C>G (NM_001362931.2).
Identifiers: ClinVar variation 363723 (VCV000363723.6), dbSNP rs80136809, ClinGen allele CA4785267.